The following is an entry in ClinVar:

ClinVar aggregate classification (germline): Uncertain significance (1 of 4 stars; one submission).

Conditions:
Cardiovascular phenotype. Identifiers: MedGen CN230736.

Submission:

Ambry Genetics
Classification: Uncertain significance for Cardiovascular phenotype. Last evaluated: 2025-12-07. Review status: criteria provided, single submitter. Criteria: Ambry Variant Classification Scheme 2023. Collection method: clinical testing. Allele origin: germline.
Comment: The p.V79L variant (also known as c.235G>C), located in coding exon 4 of the TNNC1 gene, results from a G to C substitution at nucleotide position 235. The valine at codon 79 is replaced by leucine, an amino acid with highly similar properties. This amino acid position is conserved. In addition, the in silico prediction for this alteration is inconclusive. Based on the available evidence, the clinical significance of this variant remains unclear.

NM_003280.3(TNNC1):c.235G>C (p.Val79Leu)

Gene: TNNC1 (troponin C1, slow skeletal and cardiac type; minus strand). Cytogenetic location: 3p21.1.
Variant type: single nucleotide variant.
Coding change: c.235G>C on transcript NM_003280.3 (MANE Select); coding-DNA position 235, G replaced by C.
Protein change: p.Val79Leu; replaces valine 79 with leucine.
Molecular consequence: missense variant.
Genome position (GRCh38, 1-based): chr3:52,451,826, C>G on the plus strand (G>C on the coding strand, the complement: TNNC1 is on the minus strand). VCF-style: chr3-52451826-C-G. GRCh37 (hg19) VCF-style: chr3-52485842-C-G.
Other names: short protein forms V79L.
Identifiers: ClinVar variation 4615112 (VCV004615112.1).